The following is an entry in ClinVar:

ClinVar aggregate classification (germline): Likely benign (1 of 4 stars; one submission).

gnomAD v4.1: 12 of 1,613,154 alleles (0.00074%); highest among the groups gnomAD compares: Admixed American, 0.005%; no homozygotes.

Submission:

CeGaT Center for Human Genetics Tuebingen
Classification: Likely benign. Last evaluated: 2026-08-01. Review status: criteria provided, single submitter. Criteria: CeGaT Center For Human Genetics Tuebingen Variant Classification Criteria Version 2. Collection method: clinical testing. Allele origin: germline. Affected: yes. Observed: 2 variant alleles.
Comment: AHDC1: BP4, BP7

NM_001371928.1(AHDC1):c.1452G>A (p.Ser484=)

Gene: AHDC1 (AT-hook DNA binding motif containing 1; minus strand). Cytogenetic location: 1p36.11.
Variant type: single nucleotide variant.
Coding change: c.1452G>A on transcript NM_001371928.1 (MANE Select); coding-DNA position 1452, G replaced by A.
Protein change: p.Ser484=; no amino-acid change (serine 484 retained).
Molecular consequence: synonymous variant.
Genome position (GRCh38, 1-based): chr1:27,550,664, C>T on the plus strand (G>A on the coding strand, the complement: AHDC1 is on the minus strand). VCF-style: chr1-27550664-C-T. GRCh37 (hg19) VCF-style: chr1-27877175-C-T.
Other names: c.1452G>A, p.Ser484= (NM_001029882.3).
Identifiers: ClinVar variation 4821053 (VCV004821053.4).